The following is an entry in ClinVar:

ClinVar aggregate classification (germline): Uncertain significance (1 of 4 stars; one submission).

gnomAD v4.1: 1 of 1,612,314 alleles (0.000062%); highest among the groups gnomAD compares: South Asian, 0.0011%; no homozygotes.

Submission:

GeneDx
Classification: Uncertain significance. Last evaluated: 2024-10-13. Review status: criteria provided, single submitter. Criteria: GeneDx Variant Classification Process June 2021. Collection method: clinical testing. Allele origin: germline. Affected: yes.
Comment: Not observed at significant frequency in large population cohorts (gnomAD); In silico analysis supports that this missense variant has a deleterious effect on protein structure/function; Has not been previously published as pathogenic or benign to our knowledge

NM_170606.3(KMT2C):c.4661A>T (p.Asp1554Val)

Gene: KMT2C (lysine methyltransferase 2C; minus strand). Cytogenetic location: 7q36.1.
Variant type: single nucleotide variant.
Coding change: c.4661A>T on transcript NM_170606.3 (MANE Select); coding-DNA position 4661, A replaced by T.
Protein change: p.Asp1554Val; replaces aspartic acid 1554 with valine.
Molecular consequence: missense variant.
Genome position (GRCh38, 1-based): chr7:152,187,847, T>A on the plus strand (A>T on the coding strand, the complement: KMT2C is on the minus strand). VCF-style: chr7-152187847-T-A. GRCh37 (hg19) VCF-style: chr7-151884932-T-A.
Other names: short protein forms D1554V.
Identifiers: ClinVar variation 3777684 (VCV003777684.1).